The following is an entry in ClinVar:

NM_000814.6(GABRB3):c.190G>C (p.Gly64Arg)

Gene: GABRB3 (gamma-aminobutyric acid type A receptor subunit beta3; minus strand). Cytogenetic location: 15q12.
Variant type: single nucleotide variant.
Coding change: c.190G>C on transcript NM_000814.6 (MANE Select); coding-DNA position 190, G replaced by C.
Protein change: p.Gly64Arg; replaces glycine 64 with arginine.
Molecular consequence: missense variant. On other transcripts: 5 prime UTR variant (1).
Genome position (GRCh38, 1-based): chr15:26,772,452, C>G on the plus strand (G>C on the coding strand, the complement: GABRB3 is on the minus strand). VCF-style: chr15-26772452-C-G. GRCh37 (hg19) VCF-style: chr15-27017599-C-G.
Other names: c.-162G>C (NM_001278631.2); c.190G>C, p.Gly64Arg (NM_021912.5); short protein forms G64R.
Identifiers: ClinVar variation 1397629 (VCV001397629.8), dbSNP rs2140199113, ClinGen allele CA391465277.

ClinVar aggregate classification (germline): Uncertain significance (1 of 4 stars; one submission).

Conditions:
Epilepsy, childhood absence, susceptibility to, 5. Identifiers: Orphanet 64280, MedGen C2677087, MONDO:0012843, OMIM 612269.
Epilepsy, childhood absence, susceptibility to, 1. Also called: Epilepsy, childhood absence 1. Identifiers: Orphanet 64280, MedGen C1838604, MONDO:0020759, OMIM 600131.

gnomAD v4.1: 1 of 1,610,836 alleles (0.000062%); highest among the groups gnomAD compares: Non-Finnish European, 0.000085%; no homozygotes.

Submission:

Labcorp Genetics (formerly Invitae), Labcorp
Classification: Uncertain significance for Epilepsy, childhood absence, susceptibility to, 5; Epilepsy, childhood absence, susceptibility to, 1. Last evaluated: 2021-05-27. Review status: criteria provided, single submitter. Criteria: Invitae Variant Classification Sherloc (09022015). Collection method: clinical testing. Allele origin: germline.
Comment: This sequence change replaces glycine with arginine at codon 64 of the GABRB3 protein (p.Gly64Arg). The glycine residue is moderately conserved and there is a moderate physicochemical difference between glycine and arginine. This variant is not present in population databases (ExAC no frequency). This variant has not been reported in the literature in individuals with GABRB3-related conditions. In summary, the available evidence is currently insufficient to determine the role of this variant in disease. Therefore, it has been classified as a Variant of Uncertain Significance. Algorithms developed to predict the effect of missense changes on protein structure and function are either unavailable or do not agree on the potential impact of this missense change (SIFT: "Tolerated"; PolyPhen-2: "Probably Damaging"; Align-GVGD: "Class C0").